The following is an entry in ClinVar:

NM_001844.5(COL2A1):c.1123-264C>G

Gene: COL2A1 (collagen type II alpha 1 chain; minus strand). Cytogenetic location: 12q13.11.
Variant type: single nucleotide variant.
Coding change: c.1123-264C>G on transcript NM_001844.5 (MANE Select); 264 bases into the intron before coding-DNA position 1123, C replaced by G.
Molecular consequence: intron variant.
Genome position (GRCh38, 1-based): chr12:47,987,973, G>C on the plus strand (C>G on the coding strand, the complement: COL2A1 is on the minus strand). VCF-style: chr12-47987973-G-C. GRCh37 (hg19) VCF-style: chr12-48381756-G-C.
Other names: c.916-264C>G (NM_033150.3).
Identifiers: ClinVar variation 683344 (VCV000683344.1), dbSNP rs10875715, ClinGen allele CA13646577.

ClinVar aggregate classification (germline): Benign (1 of 4 stars; one submission).

Allele frequency attached by ClinVar (database versions not stated): TOPMed 0.23169; 1000 Genomes Project 0.22364; 1000 Genomes Project 30x 0.22345.
gnomAD v4.1: 34,381 of 151,970 alleles (23%); highest among the groups gnomAD compares: East Asian, 31%; 4,048 homozygotes.

Submission:

GeneDx
Classification: Benign. Last evaluated: 2018-06-14. Review status: criteria provided, single submitter. Criteria: GeneDx Variant Classification (06012015). Collection method: clinical testing. Allele origin: germline. Affected: yes.
Comment: This variant is considered likely benign or benign based on one or more of the following criteria: it is a conservative change, it occurs at a poorly conserved position in the protein, it is predicted to be benign by multiple in silico algorithms, and/or has population frequency not consistent with disease.